The following is an entry in ClinVar:

ClinVar aggregate classification (germline): Uncertain significance (1 of 4 stars; one submission).

Conditions:
Basal ganglia calcification, idiopathic, 7, autosomal recessive. Also called: PRIMARY FAMILIAL BRAIN CALCIFICATION 7, AUTOSOMAL RECESSIVE. Identifiers: MedGen C5193025, MONDO:0032673, OMIM 618317.

Submission:

SIB Swiss Institute of Bioinformatics
Classification: Uncertain significance for Basal ganglia calcification, idiopathic, 7, autosomal recessive. Last evaluated: 2019-06-13. Review status: criteria provided, single submitter. Criteria: ACMG Guidelines, 2015. Collection method: curation. Allele origin: unknown.
Comment: This variant is interpreted as a variant of Uncertain significance for Basal ganglia calcification, idiopathic, 7, autosomal recessive. The following ACMG Tag(s) were applied: PM2, PP3, PM3.

Literature cited by the submitters: PubMed 30589467.

NM_020702.5(MYORG):c.687G>C (p.Trp229Cys)

Gene: MYORG (myogenesis regulating glycosidase; minus strand). Cytogenetic location: 9p13.3.
Variant type: single nucleotide variant.
Coding change: c.687G>C on transcript NM_020702.5 (MANE Select); coding-DNA position 687, G replaced by C.
Protein change: p.Trp229Cys; replaces tryptophan 229 with cysteine.
Molecular consequence: missense variant.
Genome position (GRCh38, 1-based): chr9:34,372,257, C>G on the plus strand (G>C on the coding strand, the complement: MYORG is on the minus strand). VCF-style: chr9-34372257-C-G. GRCh37 (hg19) VCF-style: chr9-34372255-C-G.
Other names: short protein forms W229C.
Identifiers: ClinVar variation 692170 (VCV000692170.1), dbSNP rs1588004637, ClinGen allele CA373245189.